The following is an entry in ClinVar:

ClinVar aggregate classification (germline): Conflicting classifications of pathogenicity. Review status: criteria provided, conflicting classifications (1 of 4 stars). 2 submissions from 2 submitters: Uncertain significance (1); Likely benign (1). Last evaluated 2025-05-08.

Conditions:
Hereditary cancer-predisposing syndrome. Also called: Neoplastic Syndromes, Hereditary; Tumor predisposition; Hereditary neoplastic syndrome; Hereditary Cancer Syndrome. Identifiers: Orphanet 140162, MedGen C0027672, MeSH D009386, MONDO:0015356.
Hereditary breast ovarian cancer syndrome. Also called: Hereditary breast and ovarian cancer syndrome; Hereditary breast and ovarian cancer; Hereditary breast and ovarian cancer syndrome (HBOC); Breast and ovarian cancer; Hereditary breast and/or ovarian cancer syndrome; BRCA1- and BRCA2-Associated Hereditary Breast and Ovarian Cancer. Identifiers: Orphanet 145, MedGen C0677776, MeSH D061325, MONDO:0003582. Disease mechanism: loss of function.

Submissions (2):

Ambry Genetics
Classification: Likely benign for Hereditary cancer-predisposing syndrome. Last evaluated: 2025-05-08. Review status: criteria provided, single submitter. Criteria: Ambry Variant Classification Scheme 2023. Collection method: clinical testing. Allele origin: germline.

Labcorp Genetics (formerly Invitae), Labcorp
Classification: Uncertain significance for Hereditary breast ovarian cancer syndrome. Last evaluated: 2025-02-01. Review status: criteria provided, single submitter. Criteria: Invitae Variant Classification Sherloc (09022015). Collection method: clinical testing. Allele origin: germline.
Comment: This sequence change replaces histidine, which is basic and polar, with leucine, which is neutral and non-polar, at codon 2754 of the BRCA2 protein (p.His2754Leu). This variant is not present in population databases (gnomAD no frequency). This variant has not been reported in the literature in individuals affected with BRCA2-related conditions. ClinVar contains an entry for this variant (Variation ID: 827541). Invitae Evidence Modeling of protein sequence and biophysical properties (such as structural, functional, and spatial information, amino acid conservation, physicochemical variation, residue mobility, and thermodynamic stability) indicates that this missense variant is not expected to disrupt BRCA2 protein function with a negative predictive value of 95%. In summary, the available evidence is currently insufficient to determine the role of this variant in disease. Therefore, it has been classified as a Variant of Uncertain Significance.

NM_000059.4(BRCA2):c.8261A>T (p.His2754Leu)

Gene: BRCA2 (BRCA2 DNA repair associated; plus strand). Cytogenetic location: 13q13.1.
Variant type: single nucleotide variant.
Coding change: c.8261A>T on transcript NM_000059.4 (MANE Select); coding-DNA position 8261, A replaced by T.
Protein change: p.His2754Leu; replaces histidine 2754 with leucine.
Molecular consequence: missense variant.
Genome position (GRCh38, 1-based): chr13:32,363,463, A>T. VCF-style: chr13-32363463-A-T. GRCh37 (hg19) VCF-style: chr13-32937600-A-T.
Other names: short protein forms H2754L.
Identifiers: ClinVar variation 827541 (VCV000827541.9), dbSNP rs1555287066, ClinGen allele CA387749997.
Genomic context (GRCh38, chr13:32,363,463, plus strand): 5'-CTCCCCTCTTAGCTGTCTTAAAGAATGGCAGACTGACAGTTGGTCAGAAGATTATTCTTC[A>T]TGGAGCAGAACTGGTGGGCTCTCCTGATGCCTGTACACCTCTTGAAGCCCCAGAATCTCT-3'
Protein context (NP_000050.3, residues 2744-2764): RLTVGQKIIL[His2754Leu]GAELVGSPDA